The following is an entry in ClinVar:

ClinVar aggregate classification (germline): Likely benign. Review status: criteria provided, multiple submitters, no conflicts (2 of 4 stars). 5 submissions from 5 submitters: Likely benign (4). 1 of the submissions does not count toward it. Last evaluated 2026-01-19.

Conditions:
FLNA-related disorder.
Heterotopia, periventricular, X-linked dominant (PVNH1). Also called: PERIVENTRICULAR NODULAR HETEROTOPIA 4; HETEROTOPIA, PERIVENTRICULAR, 1; PERIVENTRICULAR NODULAR HETEROTOPIA 1; X-linked periventricular heterotopia. Identifiers: Orphanet 2149, Orphanet 82004, MedGen C1848213, MONDO:0010233, OMIM 300049.
Frontometaphyseal dysplasia (FMD1). Identifiers: Orphanet 1826, MedGen C0265293, MONDO:0015942.
Oto-palato-digital syndrome, type II (OPD2). Also called: Otopalatodigital Syndrome, Type II; Otopalatodigital Syndrome Type 2 (FLNA-OPD2); OPD II SYNDROME; FACIOPALATOOSSEOUS SYNDROME. Identifiers: Orphanet 669, Orphanet 90652, MedGen C1844696, MONDO:0010571, OMIM 304120.
Melnick-Needles syndrome (MNS). Also called: Melnick-Needles Syndrome (FLNA-MNS); MELNICK-NEEDLES OSTEODYSPLASTY; OSTEODYSPLASTY OF MELNICK AND NEEDLES. Identifiers: Orphanet 2484, MedGen C0025237, MONDO:0010650, OMIM 309350.
Familial thoracic aortic aneurysm and aortic dissection (TAAD). Also called: Thoracic aortic aneurysms and dissections. Identifiers: Orphanet 91387, MedGen C4707243, MONDO:0019625.

Allele frequency attached by ClinVar (database versions not stated): ExAC 0.00002; TOPMed 0.00013; gnomAD 0.00014 and 0.00017; ESP Exome Variant Server 0.00020.
gnomAD v4.1: 73 of 1,210,658 alleles (0.006%); highest among the groups gnomAD compares: African/African-American, 0.035%; no homozygotes.

Submissions (5):

Labcorp Genetics (formerly Invitae), Labcorp
Classification: Likely benign for Oto-palato-digital syndrome, type II; Heterotopia, periventricular, X-linked dominant; Frontometaphyseal dysplasia; Melnick-Needles syndrome. Last evaluated: 2026-01-19. Review status: criteria provided, single submitter. Criteria: Invitae Variant Classification Sherloc (09022015). Collection method: clinical testing. Allele origin: germline.

Blueprint Genetics
Classification: Likely benign. Last evaluated: 2022-07-13. Review status: criteria provided, single submitter. Criteria: ACMG Guidelines, 2015. Collection method: clinical testing. Allele origin: germline.

GeneDx
Classification: Likely benign. Last evaluated: 2020-08-31. Review status: criteria provided, single submitter. Criteria: GeneDx Variant Classification Process June 2021. Collection method: clinical testing. Allele origin: germline. Affected: yes.

Ambry Genetics
Classification: Likely benign for Familial thoracic aortic aneurysm and aortic dissection. Last evaluated: 2017-12-15. Review status: criteria provided, single submitter. Criteria: Ambry Variant Classification Scheme 2023. Collection method: clinical testing. Allele origin: germline.

PreventionGenetics, part of Exact Sciences
Classification: Likely benign for FLNA-related condition. Last evaluated: 2021-07-26. Review status: no assertion criteria provided. Collection method: clinical testing. Allele origin: germline. Not counted in ClinVar's aggregate classification.
Comment: This variant is classified as likely benign based on ACMG/AMP sequence variant interpretation guidelines (Richards et al. 2015 PMID: 25741868, with internal and published modifications).

NM_001110556.2(FLNA):c.5973G>A (p.Ser1991=)

Gene: FLNA (filamin A; minus strand). Cytogenetic location: Xq28.
Variant type: single nucleotide variant.
Coding change: c.5973G>A on transcript NM_001110556.2 (MANE Select); coding-DNA position 5973, G replaced by A.
Protein change: p.Ser1991=; no amino-acid change (serine 1991 retained).
Molecular consequence: synonymous variant.
Genome position (GRCh38, 1-based): chrX:154,353,345, C>T on the plus strand (G>A on the coding strand, the complement: FLNA is on the minus strand). VCF-style: chrX-154353345-C-T. GRCh37 (hg19) VCF-style: chrX-153581713-C-T.
Other names: c.5949G>A, p.Ser1983= (NM_001456.4); c.5973G>A (NM_001110556.1).
Identifiers: ClinVar variation 386549 (VCV000386549.20), dbSNP rs375252292, ClinGen allele CA10560193.